The following is an entry in ClinVar:

ClinVar aggregate classification (germline): Benign. Review status: criteria provided, multiple submitters, no conflicts (2 of 4 stars). 3 submissions from 3 submitters: Benign (2). 1 of the submissions does not count toward it. Last evaluated 2026-02-03.

Conditions:
FBXO11-related disorder. Also called: FBXO11-related condition.

Allele frequency attached by ClinVar (database versions not stated): gnomAD exomes 0.00394 and 0.00133; ExAC 0.00464; gnomAD 0.01388 and 0.01480; ESP Exome Variant Server 0.01538; TOPMed 0.01609; 1000 Genomes Project 0.01977; 1000 Genomes Project 30x 0.02217.
gnomAD v4.1: 4,128 of 1,614,002 alleles (0.26%); highest among the groups gnomAD compares: African/African-American, 4.8%; 110 homozygotes.

Submissions (3):

Labcorp Genetics (formerly Invitae), Labcorp
Classification: Benign. Last evaluated: 2026-02-03. Review status: criteria provided, single submitter. Criteria: Invitae Variant Classification Sherloc (09022015). Collection method: clinical testing. Allele origin: germline.

Breakthrough Genomics
Classification: Benign. Review status: criteria provided, single submitter. Criteria: ACMG Guidelines, 2015. Collection method: not provided. Allele origin: germline. Inheritance: Autosomal dominant inheritance. Affected: yes.

PreventionGenetics, part of Exact Sciences
Classification: Benign for FBXO11-related condition. Last evaluated: 2019-06-11. Review status: no assertion criteria provided. Collection method: clinical testing. Allele origin: germline. Not counted in ClinVar's aggregate classification.
Comment: This variant is classified as benign based on ACMG/AMP sequence variant interpretation guidelines (Richards et al. 2015 PMID: 25741868, with internal and published modifications).

NM_001190274.2(FBXO11):c.1578A>G (p.Ala526=)

Gene: FBXO11 (F-box protein 11; minus strand). Cytogenetic location: 2p16.3.
Variant type: single nucleotide variant.
Coding change: c.1578A>G on transcript NM_001190274.2 (MANE Select); coding-DNA position 1578, A replaced by G.
Protein change: p.Ala526=; no amino-acid change (alanine 526 retained).
Molecular consequence: synonymous variant.
Genome position (GRCh38, 1-based): chr2:47,823,181, T>C on the plus strand (A>G on the coding strand, the complement: FBXO11 is on the minus strand). VCF-style: chr2-47823181-T-C. GRCh37 (hg19) VCF-style: chr2-48050320-T-C.
Other names: c.1326A>G, p.Ala442= (NM_001374325.1, NM_025133.4).
Identifiers: ClinVar variation 784984 (VCV000784984.14), dbSNP rs35935360, ClinGen allele CA1649822.
Genomic context (GRCh38, chr2:47,823,181, plus strand): 5'-ACCCATAATTATATGTAAATACCTTATTGTTGGGTCACTATTTGAGGTAATCCATACACC[T>C]GCAAAGTTGTTTGCATAGATTTTATTCTCTATGAATTGTCCTCTTCCTTTTTCATGGACA-3'
Protein context (NP_001177203.1, residues 516-536): IENKIYANNF[Ala526=]GVWITSNSDP